The following is an entry in ClinVar:

ClinVar aggregate classification (germline): Likely benign (1 of 4 stars; one submission).

Submission:

CeGaT Center for Human Genetics Tuebingen
Classification: Likely benign. Last evaluated: 2025-12-01. Review status: criteria provided, single submitter. Criteria: CeGaT Center For Human Genetics Tuebingen Variant Classification Criteria Version 2. Collection method: clinical testing. Allele origin: germline. Affected: yes. Observed: 1 variant allele.
Comment: TMEM52B: BP4, BS2

NM_001384896.1(TMEM52B):c.214C>T (p.Arg72Cys)

Gene: TMEM52B (transmembrane protein 52B; plus strand). Cytogenetic location: 12p13.2.
Variant type: single nucleotide variant.
Coding change: c.214C>T on transcript NM_001384896.1 (MANE Select); coding-DNA position 214, C replaced by T.
Protein change: p.Arg72Cys; replaces arginine 72 with cysteine.
Molecular consequence: missense variant.
Genome position (GRCh38, 1-based): chr12:10,186,496, C>T. VCF-style: chr12-10186496-C-T. GRCh37 (hg19) VCF-style: chr12-10339095-C-T.
Other names: c.214C>T, p.Arg72Cys (NM_001079815.2, NM_001384894.1, NM_001384895.1); c.175C>T, p.Arg59Cys (NM_001384897.1); c.154C>T, p.Arg52Cys (NM_001384898.1, NM_153022.4); short protein forms R52C, R59C, R72C.
Identifiers: ClinVar variation 4681287 (VCV004681287.5).